The following is an entry in ClinVar:

ClinVar aggregate classification (germline): Uncertain significance (1 of 4 stars; one submission).

Submission:

GeneDx
Classification: Uncertain significance. Last evaluated: 2023-11-30. Review status: criteria provided, single submitter. Criteria: GeneDx Variant Classification Process June 2021. Collection method: clinical testing. Allele origin: germline. Affected: yes.
Comment: Not observed at significant frequency in large population cohorts (gnomAD); Stop codon loss and change to a Leu codon, leading to protein extension and the addition of 10 amino acids at the C-terminus; Has not been previously published as pathogenic or benign to our knowledge

NM_004171.4(SLC1A2):c.1724A>T (p.Ter575Leu)

Gene: SLC1A2 (solute carrier family 1 member 2; minus strand). Cytogenetic location: 11p13.
Variant type: single nucleotide variant.
Coding change: c.1724A>T on transcript NM_004171.4 (MANE Select); coding-DNA position 1724, A replaced by T.
Protein change: p.Ter575Leu.
Molecular consequence: stop lost.
Genome position (GRCh38, 1-based): chr11:35,260,895, T>A on the plus strand (A>T on the coding strand, the complement: SLC1A2 is on the minus strand). VCF-style: chr11-35260895-T-A. GRCh37 (hg19) VCF-style: chr11-35282442-T-A.
Other names: c.1697A>T, p.Ter566Leu (NM_001195728.3, NM_001252652.2).
Identifiers: ClinVar variation 3364691 (VCV003364691.1).